The following is an entry in ClinVar:

NM_198253.3(TERT):c.469G>A (p.Ala157Thr)

Gene: TERT (telomerase reverse transcriptase; minus strand). Cytogenetic location: 5p15.33.
Variant type: single nucleotide variant.
Coding change: c.469G>A on transcript NM_198253.3 (MANE Select); coding-DNA position 469, G replaced by A.
Protein change: p.Ala157Thr; replaces alanine 157 with threonine.
Molecular consequence: missense variant. On other transcripts: non-coding transcript variant (2).
Genome position (GRCh38, 1-based): chr5:1,294,417, C>T on the plus strand (G>A on the coding strand, the complement: TERT is on the minus strand). VCF-style: chr5-1294417-C-T. GRCh37 (hg19) VCF-style: chr5-1294532-C-T.
Other names: c.469G>A, p.Ala157Thr (NM_001193376.3, NM_003219.1); short protein forms A157T.
Identifiers: ClinVar variation 3238463 (VCV003238463.2), dbSNP rs1360708027.

ClinVar aggregate classification (germline): Uncertain significance (1 of 4 stars; one submission).

Conditions:
Dyskeratosis congenita. Identifiers: Orphanet 1775, MedGen C0265965, MONDO:0015780.

Submission:

Ambry Genetics
Classification: Uncertain significance for Dyskeratosis congenita. Last evaluated: 2025-09-16. Review status: criteria provided, single submitter. Criteria: Ambry Variant Classification Scheme 2023. Collection method: clinical testing. Allele origin: germline.
Comment: The p.A157T variant (also known as c.469G>A), located in coding exon 2 of the TERT gene, results from a G to A substitution at nucleotide position 469. The alanine at codon 157 is replaced by threonine, an amino acid with similar properties. This amino acid position is conserved. In addition, the in silico prediction for this alteration is inconclusive. Based on the available evidence, the clinical significance of this variant remains unclear.